The following is an entry in ClinVar:

NM_000069.3(CACNA1S):c.470C>G (p.Ala157Gly)

Gene: CACNA1S (calcium voltage-gated channel subunit alpha1 S; minus strand). Cytogenetic location: 1q32.1.
Variant type: single nucleotide variant.
Coding change: c.470C>G on transcript NM_000069.3 (MANE Select); coding-DNA position 470, C replaced by G.
Protein change: p.Ala157Gly; replaces alanine 157 with glycine.
Molecular consequence: missense variant.
Genome position (GRCh38, 1-based): chr1:201,092,043, G>C on the plus strand (C>G on the coding strand, the complement: CACNA1S is on the minus strand). VCF-style: chr1-201092043-G-C. GRCh37 (hg19) VCF-style: chr1-201061171-G-C.
Other names: p.Ala157Gly; short protein forms A157G.
Identifiers: ClinVar variation 956194 (VCV000956194.10), dbSNP rs1662254049, ClinGen allele CA344141976.

ClinVar aggregate classification (germline): Uncertain significance. Review status: criteria provided, multiple submitters, no conflicts (2 of 4 stars). 4 submissions from 4 submitters: Uncertain significance (4). Last evaluated 2026-07-06.

Conditions:
Malignant hyperthermia, susceptibility to, 5 (MHS5). Also called: CACNA1S-Related Malignant Hyperthermia Susceptibility. Identifiers: Orphanet 423, MedGen C1866077, MONDO:0011163, OMIM 601887.
Inborn genetic diseases. Identifiers: MedGen C0950123, MeSH D030342.
Hypokalemic periodic paralysis, type 1. Also called: HypoPP; Hypokalemic Periodic Paralysis Type 1 (AD). Identifiers: Orphanet 681, MedGen C3714580, MONDO:0042979, OMIM 170400.

gnomAD v4.1: 2 of 1,614,104 alleles (0.00012%); highest among the groups gnomAD compares: Non-Finnish European, 0.00017%; no homozygotes.

Submissions (4):

Ambry Genetics
Classification: Uncertain significance for Inborn genetic diseases. Last evaluated: 2026-07-06. Review status: criteria provided, single submitter. Criteria: Ambry Variant Classification Scheme 2023. Collection method: clinical testing. Allele origin: germline.
Comment: The p.A157G variant (also known as c.470C>G), located in coding exon 4 of the CACNA1S gene, results from a C to G substitution at nucleotide position 470. The alanine at codon 157 is replaced by glycine, an amino acid with similar properties. This amino acid position is conserved. In addition, the in silico prediction for this alteration is inconclusive. Based on the available evidence, the clinical significance of this variant remains unclear.

Mayo Clinic Laboratories, Mayo Clinic
Classification: Uncertain significance. Last evaluated: 2025-09-04. Review status: criteria provided, single submitter. Criteria: ACMG Guidelines, 2015. Collection method: clinical testing. Allele origin: germline. Observed: 1 variant allele.
Comment: BP4

Color Diagnostics, LLC DBA Color Health
Classification: Uncertain significance for Malignant hyperthermia, susceptibility to, 5. Last evaluated: 2025-07-08. Review status: criteria provided, single submitter. Criteria: ACMG Guidelines, 2015. Collection method: clinical testing. Allele origin: germline.
Comment: This missense variant replaces alanine with glycine at codon 157 of the CACNA1S protein. Computational prediction suggests that this variant may not impact protein structure and function. To our knowledge, functional studies have not been reported for this variant. This variant has not been reported in individuals affected with CACNA1S-related disorders in the literature. This variant has not been identified in the general population by the Genome Aggregation Database (gnomAD). The available evidence is insufficient to determine the role of this variant in disease conclusively. Therefore, this variant is classified as a Variant of Uncertain Significance.

Labcorp Genetics (formerly Invitae), Labcorp
Classification: Uncertain significance for Hypokalemic periodic paralysis, type 1; Malignant hyperthermia, susceptibility to, 5. Last evaluated: 2022-07-11. Review status: criteria provided, single submitter. Criteria: Invitae Variant Classification Sherloc (09022015). Collection method: clinical testing. Allele origin: germline.
Comment: This sequence change replaces alanine, which is neutral and non-polar, with glycine, which is neutral and non-polar, at codon 157 of the CACNA1S protein (p.Ala157Gly). This variant is not present in population databases (gnomAD no frequency). This variant has not been reported in the literature in individuals affected with CACNA1S-related conditions. ClinVar contains an entry for this variant (Variation ID: 956194). Advanced modeling of protein sequence and biophysical properties (such as structural, functional, and spatial information, amino acid conservation, physicochemical variation, residue mobility, and thermodynamic stability) performed at Invitae indicates that this missense variant is not expected to disrupt CACNA1S protein function. In summary, the available evidence is currently insufficient to determine the role of this variant in disease. Therefore, it has been classified as a Variant of Uncertain Significance.